The following is an entry in ClinVar:

ClinVar aggregate classification (germline): Benign. Review status: reviewed by expert panel (3 of 4 stars). 19 submissions from 19 submitters: Benign (1). 18 of the submissions do not count toward it. Last evaluated 2015-08-10.

Conditions:
Hereditary cancer-predisposing syndrome. Also called: Hereditary Cancer Syndrome; Tumor predisposition; Neoplastic Syndromes, Hereditary; Hereditary neoplastic syndrome. Identifiers: Orphanet 140162, MedGen C0027672, MeSH D009386, MONDO:0015356.
Hereditary breast ovarian cancer syndrome. Also called: Breast and ovarian cancer; BRCA1- and BRCA2-Associated Hereditary Breast and Ovarian Cancer; Hereditary breast and ovarian cancer; Hereditary breast and ovarian cancer syndrome (HBOC); Hereditary breast and ovarian cancer syndrome; Hereditary breast and/or ovarian cancer syndrome. Identifiers: Orphanet 145, MedGen C0677776, MeSH D061325, MONDO:0003582. Disease mechanism: loss of function.
Breast-ovarian cancer, familial, susceptibility to, 1 (BROVCA1). Also called: BRCA1 Hereditary Breast and Ovarian Cancer; OVARIAN CANCER, SUSCEPTIBILITY TO. Identifiers: Orphanet 145, MedGen C2676676, MONDO:0011450, OMIM 604370. Disease mechanism: loss of function.
Malignant tumor of breast. Also called: Malignant breast neoplasm; Cancer breast. Identifiers: MedGen C0006142, MONDO:0007254. Disease mechanism: loss of function.

Allele frequency attached by ClinVar (database versions not stated): gnomAD 0.00006; ExAC 0.00008; gnomAD exomes 0.00010; TOPMed 0.00010.
gnomAD v4.1: 285 of 1,614,052 alleles (0.018%); highest among the groups gnomAD compares: Admixed American, 0.023%; no homozygotes.

Submissions 1 to 16 of 19:

Evidence-based Network for the Interpretation of Germline Mutant Alleles (ENIGMA)
Classification: Benign for Breast-ovarian cancer, familial 1. Last evaluated: 2015-08-10. Review status: reviewed by expert panel. Criteria: ENIGMA BRCA1/2 Classification Criteria (2015). Collection method: curation. Allele origin: germline.
Comment: IARC class based on posterior probability from multifactorial likelihood analysis, thresholds for class as per Plon et al. 2008 (PMID: 18951446). Class 1 based on posterior probability = 0.000000000689

Labcorp Genetics (formerly Invitae), Labcorp
Classification: Benign for Hereditary breast ovarian cancer syndrome. Last evaluated: 2026-01-19. Review status: criteria provided, single submitter. Criteria: Invitae Variant Classification Sherloc (09022015). Collection method: clinical testing. Allele origin: germline. Not counted in ClinVar's aggregate classification.

CeGaT Center for Human Genetics Tuebingen
Classification: Benign. Last evaluated: 2025-04-01. Review status: criteria provided, single submitter. Criteria: CeGaT Center For Human Genetics Tuebingen Variant Classification Criteria Version 2. Collection method: clinical testing. Allele origin: germline. Affected: yes. Observed: 1 variant allele. Not counted in ClinVar's aggregate classification.
Comment: BRCA1: BS1, BS4

Center for Genomic Medicine, Rigshospitalet, Copenhagen University Hospital
Classification: Benign. Last evaluated: 2025-03-04. Review status: criteria provided, single submitter. Criteria: ACMG Guidelines, 2015. Collection method: clinical testing. Allele origin: germline. Not counted in ClinVar's aggregate classification.

Blueprint Genetics
Classification: Likely benign. Last evaluated: 2024-11-27. Review status: criteria provided, single submitter. Criteria: ACMG Guidelines, 2015. Collection method: clinical testing. Allele origin: germline. Not counted in ClinVar's aggregate classification.

ARUP Laboratories, Molecular Genetics and Genomics, ARUP Laboratories
Classification: Likely benign. Last evaluated: 2024-03-25. Review status: criteria provided, single submitter. Criteria: ARUP Molecular Germline Variant Investigation Process 2024. Collection method: clinical testing. Allele origin: germline. Not counted in ClinVar's aggregate classification.

Women's Health and Genetics/Laboratory Corporation of America, LabCorp
Classification: Benign. Last evaluated: 2022-05-30. Review status: criteria provided, single submitter. Criteria: LabCorp Variant Classification Summary - May 2015. Collection method: clinical testing. Allele origin: germline. Not counted in ClinVar's aggregate classification.
Comment: Variant summary: BRCA1 c.3640G>A (p.Glu1214Lys) results in a conservative amino acid change in the encoded protein sequence. Four of five in-silico tools predict a damaging effect of the variant on protein function. However, comparative evolutionary approach for classifying the variant using mammalian BRCA1 sequences as performed by Burk-Herrick_2005 shows that this variant has low oncogenic score. The variant allele was found at a frequency of 9.9e-05 in 251288 control chromosomes. This frequency is not significantly higher than estimated for a pathogenic variant in BRCA1 causing Hereditary Breast And Ovarian Cancer Syndrome (9.9e-05 vs 0.001), allowing no conclusion about variant significance. c.3640G>A, has been reported in the literature in individuals affected with Breast and Ovarian Cancer in one family where it did not segregate with disease (example, Zuhlke_2004). Large multifactorial likelihood-ratio model study that included cosegregation, co-occurrence, and logistic regression analyses shows that this variant has high odds in favor of benign effect (Easton_2007). Similarly, in another multifactorial probability model study, this variant was shown to have very low odds in favor of causality (Lindor et al 2012). These data do not allow any conclusion about variant significance. At-least two co-occurrences with other pathogenic variant(s) have been reported in the BIC database and also observed at our laboratory (BIC-BRCA2 c.6833_6837delTCTTA, p.Ile2278fs; our laboratory-BRCA2 c.2095C>T, p.Q699X), providing supporting evidence for a benign role. Eight clinical diagnostic laboratories and an expert panel (ENIGMA) have submitted clinical-significance assessments for this variant to ClinVar after 2014 without evidence for independent evaluation. All submitters classified the variant as benign/likely benign. Based on the evidence outlined above, the variant was classified as benign.

Institute for Biomarker Research, Medical Diagnostic Laboratories, L.L.C.
Classification: Likely benign for Hereditary cancer-predisposing syndrome. Last evaluated: 2018-05-23. Review status: criteria provided, single submitter. Criteria: ACMG Guidelines, 2015. Collection method: clinical testing. Allele origin: germline. Not counted in ClinVar's aggregate classification.

Laboratory for Molecular Medicine, Mass General Brigham Personalized Medicine
Classification: Likely benign. Last evaluated: 2018-05-07. Review status: criteria provided, single submitter. Criteria: LMM Criteria. Collection method: clinical testing. Allele origin: germline. Observed: 1 variant allele. Not counted in ClinVar's aggregate classification.
Comment: p.Glu1214Lys in exon 10A of BRCA1: This variant is classified as likely benign b ecause it did not segregate with disease in one family and since it has been ide ntified in 0.03% (12/3438)) of Latino chromosomes by the Genome Aggregation Data base (gnomAD; dbSNP rs80356923). In addition, this variant was classified as benign on Aug 10, 2015 by the ClinGen-approved (E NIGMA) expert panel (ClinVar 54948). Computational prediction tools and conserva tion analysis suggest that the p.Glu1214Lys variant may not impact the protein, though this information is not predictive enough to rule out pathogenicity. ACMG /AMP Criteria applied: BS4, BP4.

GeneDx
Classification: Benign. Last evaluated: 2017-09-11. Review status: criteria provided, single submitter. Criteria: GeneDx Variant Classification (06012015). Collection method: clinical testing. Allele origin: germline. Affected: yes. Not counted in ClinVar's aggregate classification.
Comment: This variant is considered likely benign or benign based on one or more of the following criteria: it is a conservative change, it occurs at a poorly conserved position in the protein, it is predicted to be benign by multiple in silico algorithms, and/or has population frequency not consistent with disease.

PreventionGenetics, part of Exact Sciences
Classification: Likely benign. Last evaluated: 2017-02-27. Review status: criteria provided, single submitter. Criteria: ACMG Guidelines, 2015. Collection method: clinical testing. Allele origin: germline. Not counted in ClinVar's aggregate classification.

Color Diagnostics, LLC DBA Color Health
Classification: Likely benign for Hereditary cancer-predisposing syndrome. Last evaluated: 2015-06-03. Review status: criteria provided, single submitter. Criteria: ACMG Guidelines, 2015. Collection method: clinical testing. Allele origin: germline. Not counted in ClinVar's aggregate classification.

Ambry Genetics
Classification: Benign for Hereditary cancer-predisposing syndrome. Last evaluated: 2014-11-18. Review status: criteria provided, single submitter. Criteria: Ambry Variant Classification Scheme 2023. Collection method: clinical testing. Allele origin: germline. Not counted in ClinVar's aggregate classification.

Mayo Clinic Laboratories, Mayo Clinic
Classification: Likely benign. Last evaluated: 2017-01-03. Review status: no assertion criteria provided. Collection method: clinical testing. Allele origin: unknown. Not counted in ClinVar's aggregate classification.

Research Molecular Genetics Laboratory, Women's College Hospital, University of Toronto
Classification: Benign. Last evaluated: 2014-01-31. Review status: no assertion criteria provided. Collection method: research. Allele origin: germline. Affected: yes. Study: The Canadian Open Genetics Repository (COGR). Not counted in ClinVar's aggregate classification.

Breast Cancer Information Core (BIC) (BRCA1)
Classification: Uncertain significance for Breast-ovarian cancer, familial 1. Last evaluated: 2002-05-29. Review status: no assertion criteria provided. Collection method: clinical testing. Allele origin: germline. Affected: yes. Observed: 9 variant alleles. Not counted in ClinVar's aggregate classification.

NM_007294.4(BRCA1):c.3640G>A (p.Glu1214Lys)

Genes: BRCA1 (BRCA1 DNA repair associated; minus strand), LOC126862571 (BRD4-independent group 4 enhancer GRCh37_chr17:41243136-41244335; plus strand). Cytogenetic location: 17q21.31.
Variant type: single nucleotide variant.
Coding change: c.3640G>A on transcript NM_007294.4 (MANE Select); coding-DNA position 3640, G replaced by A.
Protein change: p.Glu1214Lys; replaces glutamic acid 1214 with lysine.
Molecular consequence: missense variant. On other transcripts: intron variant (135).
Genome position (GRCh38, 1-based): chr17:43,091,891, C>T on the plus strand (G>A on the coding strand, the complement: BRCA1 is on the minus strand). VCF-style: chr17-43091891-C-T. GRCh37 (hg19) VCF-style: chr17-41243908-C-T.
Other names: 3759G>A; c.524-859G>A (NM_001408500.1, NM_001408497.1, NM_001408496.1 and 3 more transcripts); c.647-859G>A (NM_001408466.1, NM_001408452.1, NM_001408457.1 and 11 more transcripts); c.788-859G>A (NM_001407973.1, NM_001408403.1, NM_001407983.1 and 17 more transcripts); c.404-859G>A (NM_001408511.1); c.521-859G>A (NM_001408505.1, NM_001408504.1, NM_001408503.1); c.461-859G>A (NM_001408507.1, NM_001408506.1); c.545-859G>A (NM_001408495.1); and 42 more; short protein forms E1214K, E1167K, E1125K, E1126K, E1146K, E1147K, E1173K, E1188K.
Identifiers: ClinVar variation 54948 (VCV000054948.49), dbSNP rs80356923, ClinGen allele CA002327.